The following is an entry in ClinVar:

NM_001042492.3(NF1):c.2366del (p.Lys789fs)

Gene: NF1 (neurofibromin 1; plus strand). Cytogenetic location: 17q11.2.
Variant type: Deletion.
Coding change: c.2366del on transcript NM_001042492.3 (MANE Select); coding-DNA position 2366, one base deleted (A; older notation c.2366delA).
Protein change: p.Lys789fs; shifts the reading frame from lysine 789.
Molecular consequence: frameshift variant.
Genome position (GRCh38, 1-based): chr17:31,227,563, A deleted; the last of 3 consecutive A bases (chr17:31,227,561-31,227,563); deleting any one gives the same sequence. VCF-style (leftmost placement, unchanged base first): chr17-31227560-CA-C. GRCh37 (hg19) VCF-style: chr17-29554578-CA-C.
Other names: c.2366delA, p.Lys789Serfs (NM_000267.4); short protein forms K789fs.
Identifiers: ClinVar variation 1712340 (VCV001712340.5), dbSNP rs2508171178, ClinGen allele CA2580093215.

ClinVar aggregate classification (germline): Pathogenic. Review status: criteria provided, multiple submitters, no conflicts (2 of 4 stars). 2 submissions from 2 submitters: Pathogenic (2). Last evaluated 2022-10-04.

Conditions:
Neurofibromatosis, type 1 (NF1). Also called: Peripheral type neurofibromatosis; VON RECKLINGHAUSEN DISEASE; NEUROFIBROMATOSIS, TYPE I, SOMATIC; Neurofibromatosis, type I. Identifiers: Orphanet 636, MedGen C0027831, MONDO:0018975, OMIM 162200. Disease mechanism: loss of function.

Submissions (2):

Institute of Human Genetics, University of Leipzig Medical Center
Classification: Pathogenic for Neurofibromatosis, type 1. Last evaluated: 2022-10-04. Review status: criteria provided, single submitter. Criteria: ACMG Guidelines, 2015. Collection method: clinical testing. Allele origin: de novo. Affected: yes.
Comment: This variant was identified as de novo (maternity and paternity confirmed)._x000D_ Criteria applied: PVS1, PS2_MOD, PM2_SUP

Labcorp Genetics (formerly Invitae), Labcorp
Classification: Pathogenic for Neurofibromatosis, type 1. Last evaluated: 2022-05-30. Review status: criteria provided, single submitter. Criteria: Invitae Variant Classification Sherloc (09022015). Collection method: clinical testing. Allele origin: germline.
Comment: For these reasons, this variant has been classified as Pathogenic. This variant has not been reported in the literature in individuals affected with NF1-related conditions. This variant is not present in population databases (gnomAD no frequency). This sequence change creates a premature translational stop signal (p.Lys789Serfs*2) in the NF1 gene. It is expected to result in an absent or disrupted protein product. Loss-of-function variants in NF1 are known to be pathogenic (PMID: 10712197, 23913538).

Literature cited by the submitters: PubMed 10712197 (cited by Labcorp Genetics (formerly Invitae), Labcorp); PubMed 23913538 (cited by Labcorp Genetics (formerly Invitae), Labcorp).